The following is an entry in ClinVar:

ClinVar aggregate classification (germline): Benign (1 of 4 stars; one submission).

Allele frequency attached by ClinVar (database versions not stated): gnomAD 0.44025 and 0.44373; 1000 Genomes Project 0.45008; 1000 Genomes Project 30x 0.45347; TOPMed 0.46212.
gnomAD v4.1: 66,885 of 152,030 alleles (44%); highest among the groups gnomAD compares: Admixed American, 55%; 14,952 homozygotes.

Submission:

GeneDx
Classification: Benign. Last evaluated: 2018-06-14. Review status: criteria provided, single submitter. Criteria: GeneDx Variant Classification (06012015). Collection method: clinical testing. Allele origin: germline. Affected: yes.
Comment: This variant is considered likely benign or benign based on one or more of the following criteria: it is a conservative change, it occurs at a poorly conserved position in the protein, it is predicted to be benign by multiple in silico algorithms, and/or has population frequency not consistent with disease.

NM_206933.4(USH2A):c.8845+382A>G

Gene: USH2A (usherin; minus strand). Cytogenetic location: 1q41.
Variant type: single nucleotide variant.
Coding change: c.8845+382A>G on transcript NM_206933.4 (MANE Select); 382 bases into the intron after coding-DNA position 8845, A replaced by G.
Molecular consequence: intron variant.
Genome position (GRCh38, 1-based): chr1:215,866,625, T>C on the plus strand (A>G on the coding strand, the complement: USH2A is on the minus strand). VCF-style: chr1-215866625-T-C. GRCh37 (hg19) VCF-style: chr1-216039967-T-C.
Identifiers: ClinVar variation 667895 (VCV000667895.1), dbSNP rs2147912, ClinGen allele CA10823909.